The following is an entry in ClinVar:

NM_003091.4(SNRPB):c.*142C>G

Gene: SNRPB (small nuclear ribonucleoprotein polypeptides B and B1; minus strand). Cytogenetic location: 20p13.
Variant type: single nucleotide variant.
Coding change: c.*142C>G on transcript NM_003091.4 (MANE Select); 142 bases downstream of the stop codon, C replaced by G.
Molecular consequence: 3 prime UTR variant. On other transcripts: missense variant (1).
Genome position (GRCh38, 1-based): chr20:2,461,787, G>C on the plus strand (C>G on the coding strand, the complement: SNRPB is on the minus strand). VCF-style: chr20-2461787-G-C. GRCh37 (hg19) VCF-style: chr20-2442433-G-C.
Other names: c.692C>G, p.Pro231Arg (NM_198216.2); short protein forms P231R.
Identifiers: ClinVar variation 4731974 (VCV004731974.1).
Genomic context (GRCh38, chr20:2,461,787, plus strand): 5'-GCAGGGAGCTGAGGAGGGCCAAGATGAGTCTAGGGCCTTGGTGGGCGCATTCCCGGGGGA[G>C]GGGGCCCTGTAAGGGAAACCAGACAATCCCATGAGACTCCACGAACAACAGCATAAGAAA-3'

ClinVar aggregate classification (germline): Uncertain significance (1 of 4 stars; one submission).

Submission:

Labcorp Genetics (formerly Invitae), Labcorp
Classification: Uncertain significance. Last evaluated: 2025-11-25. Review status: criteria provided, single submitter. Criteria: Invitae Variant Classification Sherloc (09022015). Collection method: clinical testing. Allele origin: germline.
Comment: This sequence change replaces proline, which is neutral and non-polar, with arginine, which is basic and polar, at codon 231 of the SNRPB protein (p.Pro231Arg). This variant is not present in population databases (gnomAD no frequency). This variant has not been reported in the literature in individuals affected with SNRPB-related conditions. Experimental studies and prediction algorithms are not available or were not evaluated, and the functional significance of this variant is currently unknown. In summary, the available evidence is currently insufficient to determine the role of this variant in disease. Therefore, it has been classified as a Variant of Uncertain Significance.